The following is an entry in ClinVar:

NM_001556.3(IKBKB):c.1866G>A (p.Ala622=)

Gene: IKBKB (inhibitor of nuclear factor kappa B kinase subunit beta; plus strand). Cytogenetic location: 8p11.21.
Variant type: single nucleotide variant.
Coding change: c.1866G>A on transcript NM_001556.3 (MANE Select); coding-DNA position 1866, G replaced by A.
Protein change: p.Ala622=; no amino-acid change (alanine 622 retained).
Molecular consequence: synonymous variant. On other transcripts: non-coding transcript variant (3).
Genome position (GRCh38, 1-based): chr8:42,322,374, G>A. VCF-style: chr8-42322374-G-A. GRCh37 (hg19) VCF-style: chr8-42179892-G-A.
Other names: c.1674G>A, p.Ala558= (NM_001190720.3); c.1689G>A, p.Ala563= (NM_001242778.2).
Identifiers: ClinVar variation 734553 (VCV000734553.25), dbSNP rs199681053, ClinGen allele CA4732141.
Genomic context (GRCh38, chr8:42,322,374, plus strand): 5'-ATGCCATTAGTTTGCCATGTTTATTCTTTGCAGTAAAACTGTGGTTTGCAAGCAGAAGGC[G>A]CTGGAACTGTTGCCCAAGGTGGAAGAGGTGGTGAGCTTAATGAATGAGGATGAGAAGACT-3'
Protein context (NP_001547.1, residues 612-632): LSKTVVCKQK[Ala622=]LELLPKVEEV

ClinVar aggregate classification (germline): Likely benign. Review status: criteria provided, multiple submitters, no conflicts (2 of 4 stars). 3 submissions from 3 submitters: Likely benign (3). Last evaluated 2025-12-06.

Conditions:
Severe combined immunodeficiency due to IKK2 deficiency. Also called: Immunodeficiency 15; IMMUNODEFICIENCY 15B. Identifiers: Orphanet 397787, MedGen C4747743, MONDO:0014267, OMIM 615592.

Allele frequency attached by ClinVar (database versions not stated): ExAC 0.00003; gnomAD 0.00013; TOPMed 0.00015.
gnomAD v4.1: 56 of 1,613,816 alleles (0.0035%); highest among the groups gnomAD compares: African/African-American, 0.041%; no homozygotes.

Submissions (3):

Labcorp Genetics (formerly Invitae), Labcorp
Classification: Likely benign for Severe combined immunodeficiency due to IKK2 deficiency. Last evaluated: 2025-12-06. Review status: criteria provided, single submitter. Criteria: Invitae Variant Classification Sherloc (09022015). Collection method: clinical testing. Allele origin: germline.

CeGaT Center for Human Genetics Tuebingen
Classification: Likely benign. Last evaluated: 2024-10-01. Review status: criteria provided, single submitter. Criteria: CeGaT Center For Human Genetics Tuebingen Variant Classification Criteria Version 2. Collection method: clinical testing. Allele origin: germline. Affected: yes. Observed: 1 variant allele.
Comment: IKBKB: BP4, BP7

Blueprint Genetics
Classification: Likely benign. Last evaluated: 2023-08-23. Review status: criteria provided, single submitter. Criteria: ACMG Guidelines, 2015. Collection method: clinical testing. Allele origin: germline.